The following is an entry in ClinVar:

ClinVar aggregate classification (germline): Uncertain significance (1 of 4 stars; one submission).

Conditions:
Tuberous sclerosis 2 (TSC2). Identifiers: Orphanet 805, MedGen C1860707, MONDO:0013199, OMIM 613254.

Submission:

Labcorp Genetics (formerly Invitae), Labcorp
Classification: Uncertain significance for Tuberous sclerosis 2. Last evaluated: 2024-04-06. Review status: criteria provided, single submitter. Criteria: Invitae Variant Classification Sherloc (09022015). Collection method: clinical testing. Allele origin: germline.
Comment: This sequence change replaces aspartic acid, which is acidic and polar, with alanine, which is neutral and non-polar, at codon 1465 of the TSC2 protein (p.Asp1465Ala). This variant is not present in population databases (gnomAD no frequency). This variant has not been reported in the literature in individuals affected with TSC2-related conditions. Advanced modeling of protein sequence and biophysical properties (such as structural, functional, and spatial information, amino acid conservation, physicochemical variation, residue mobility, and thermodynamic stability) performed at Invitae indicates that this missense variant is not expected to disrupt TSC2 protein function with a negative predictive value of 95%. In summary, the available evidence is currently insufficient to determine the role of this variant in disease. Therefore, it has been classified as a Variant of Uncertain Significance.

NM_000548.5(TSC2):c.4394A>C (p.Asp1465Ala)

Gene: TSC2 (TSC complex subunit 2; plus strand). Cytogenetic location: 16p13.3.
Variant type: single nucleotide variant.
Coding change: c.4394A>C on transcript NM_000548.5 (MANE Select); coding-DNA position 4394, A replaced by C.
Protein change: p.Asp1465Ala; replaces aspartic acid 1465 with alanine.
Molecular consequence: missense variant. On other transcripts: non-coding transcript variant (5).
Genome position (GRCh38, 1-based): chr16:2,084,616, A>C. VCF-style: chr16-2084616-A-C. GRCh37 (hg19) VCF-style: chr16-2134617-A-C.
Other names: c.4316A>C, p.Asp1439Ala (NM_001406665.1); c.4286A>C, p.Asp1429Ala (NM_001406667.1); c.4283A>C, p.Asp1428Ala (NM_001406668.1); c.4214A>C, p.Asp1405Ala (NM_001406670.1); c.4184A>C, p.Asp1395Ala (NM_001406671.1); c.4181A>C, p.Asp1394Ala (NM_001406673.1); c.4178A>C, p.Asp1393Ala (NM_001406675.1); c.4175A>C, p.Asp1392Ala (NM_001406676.1); and 26 more; short protein forms D1221A, D1242A, D1349A, D1379A, D1405A, D1439A, D1442A, D1464A.
Identifiers: ClinVar variation 3637239 (VCV003637239.2).